The following is an entry in ClinVar:

NM_201253.3(CRB1):c.2083C>T (p.Gln695Ter)

Gene: CRB1 (crumbs cell polarity complex component 1; plus strand). Cytogenetic location: 1q31.3.
Variant type: single nucleotide variant.
Coding change: c.2083C>T on transcript NM_201253.3 (MANE Select); coding-DNA position 2083, C replaced by T.
Protein change: p.Gln695Ter; replaces glutamine 695 with a stop codon.
Molecular consequence: nonsense. On other transcripts: non-coding transcript variant (2).
Genome position (GRCh38, 1-based): chr1:197,421,911, C>T. VCF-style: chr1-197421911-C-T. GRCh37 (hg19) VCF-style: chr1-197391041-C-T.
Other names: c.1747C>T, p.Gln583Ter (NM_001193640.2); c.1876C>T, p.Gln626Ter (NM_001257965.2); c.2083C>T, p.Gln695Ter (NM_001257966.2); short protein forms Q583*, Q626*, Q695*.
Identifiers: ClinVar variation 3751052 (VCV003751052.2).

ClinVar aggregate classification (germline): Pathogenic (1 of 4 stars; one submission).

Conditions:
Leber congenital amaurosis 8 (LCA8). Identifiers: Orphanet 65, MedGen C3151202, MONDO:0013453, OMIM 613835.
Retinitis pigmentosa 12 (RP12). Also called: RP WITH OR WITHOUT PRESERVED PARAARTERIOLE RETINAL PIGMENT EPITHELIUM; RETINITIS PIGMENTOSA WITH OR WITHOUT PARAARTERIOLAR PRESERVATION OF RETINAL PIGMENT EPITHELIUM; RP WITH OR WITHOUT PPRPE. Identifiers: Orphanet 791, MedGen C1838647, MONDO:0010818, OMIM 600105.

Submission:

Labcorp Genetics (formerly Invitae), Labcorp
Classification: Pathogenic for Leber congenital amaurosis 8; Retinitis pigmentosa 12. Last evaluated: 2024-02-01. Review status: criteria provided, single submitter. Criteria: Invitae Variant Classification Sherloc (09022015). Collection method: clinical testing. Allele origin: germline.
Comment: This sequence change creates a premature translational stop signal (p.Gln695*) in the CRB1 gene. It is expected to result in an absent or disrupted protein product. Loss-of-function variants in CRB1 are known to be pathogenic (PMID: 10508521, 22065545, 23379534, 25412400, 26957898, 28041643, 29391521). This variant is not present in population databases (gnomAD no frequency). This variant has not been reported in the literature in individuals affected with CRB1-related conditions. Algorithms developed to predict the effect of sequence changes on RNA splicing suggest that this variant may disrupt the consensus splice site. For these reasons, this variant has been classified as Pathogenic.

Literature cited by the submitters: PubMed 10508521; PubMed 22065545; PubMed 23379534; PubMed 25412400; PubMed 26957898; PubMed 28041643; PubMed 29391521.